The following is an entry in ClinVar:

NM_014625.4(NPHS2):c.973C>T (p.His325Tyr)

Genes: AXDND1 (axonemal dynein light chain domain containing 1; plus strand), NPHS2 (NPHS2 stomatin family member, podocin; minus strand). Cytogenetic location: 1q25.2.
Variant type: single nucleotide variant.
Coding change: c.973C>T on transcript NM_014625.4 (MANE Select); coding-DNA position 973, C replaced by T.
Protein change: p.His325Tyr; replaces histidine 325 with tyrosine.
Molecular consequence: missense variant. On other transcripts: intron variant (1).
Genome position (GRCh38, 1-based): chr1:179,551,352, G>A on the plus strand (C>T on the coding strand, the complement: NPHS2 is on the minus strand). VCF-style: chr1-179551352-G-A. GRCh37 (hg19) VCF-style: chr1-179520487-G-A.
Other names: c.769C>T, p.His257Tyr (NM_001297575.2); c.3032-3160G>A (NM_144696.6); short protein forms H325Y, H257Y.
Identifiers: ClinVar variation 2734048 (VCV002734048.4), dbSNP rs551511369, ClinGen allele CA1267048.
Genomic context (GRCh38, chr1:179,551,352, plus strand): 5'-CAAATGGCAAAGGTAAAACCACAGTGGAAGGCTTCTCTGTGGACAGAGACTGAAGGGTGT[G>A]GAGGTATCGAAGCTGAACGGCAGCAGGGGTGCCTGACAGAATCTCAGCTGCCATCCTCAG-3'
Protein context (NP_055440.1, residues 315-335): TPAAVQLRYL[His325Tyr]TLQSLSTEKP

ClinVar aggregate classification (germline): Conflicting classifications of pathogenicity. Review status: criteria provided, conflicting classifications (1 of 4 stars). 2 submissions from 2 submitters: Likely pathogenic (1); Uncertain significance (1). Last evaluated 2023-12-15.

Conditions:
Nephrotic syndrome, type 2 (NPHS2). Also called: NEPHROTIC SYNDROME, STEROID-RESISTANT, AUTOSOMAL RECESSIVE. Identifiers: Orphanet 656, MedGen C1868672, MONDO:0010974, OMIM 600995.

Allele frequency attached by ClinVar (database versions not stated): ExAC 0.00001; gnomAD 0.00001; 1000 Genomes Project 30x 0.00016; 1000 Genomes Project 0.00020.
gnomAD v4.1: 1 of 1,614,146 alleles (0.000062%); highest among the groups gnomAD compares: African/African-American, 0.0013%; no homozygotes.

Submissions (2):

Labcorp Genetics (formerly Invitae), Labcorp
Classification: Uncertain significance. Last evaluated: 2023-12-15. Review status: criteria provided, single submitter. Criteria: Invitae Variant Classification Sherloc (09022015). Collection method: clinical testing. Allele origin: germline.
Comment: This sequence change replaces histidine, which is basic and polar, with tyrosine, which is neutral and polar, at codon 325 of the NPHS2 protein (p.His325Tyr). This variant is not present in population databases (gnomAD no frequency). This missense change has been observed in individuals with clinical features of Nephrotic syndrome (PMID: 19406966, 23515051). Advanced modeling of protein sequence and biophysical properties (such as structural, functional, and spatial information, amino acid conservation, physicochemical variation, residue mobility, and thermodynamic stability) performed at Invitae indicates that this missense variant is expected to disrupt NPHS2 protein function with a positive predictive value of 80%. In summary, the available evidence is currently insufficient to determine the role of this variant in disease. Therefore, it has been classified as a Variant of Uncertain Significance.

Clinical Genetics Service, Universitary Hospital 12 de Octubre
Classification: Likely pathogenic for Nephrotic syndrome, type 2. Review status: criteria provided, single submitter. Criteria: ACMG Guidelines, 2015. Collection method: clinical testing. Allele origin: maternal. Affected: yes.

Literature cited by the submitters: PubMed 19406966 (cited by Labcorp Genetics (formerly Invitae), Labcorp); PubMed 23515051 (cited by Labcorp Genetics (formerly Invitae), Labcorp).